The following is an entry in ClinVar:

ClinVar aggregate classification (germline): Uncertain significance (1 of 4 stars; one submission).

Submission:

Labcorp Genetics (formerly Invitae), Labcorp
Classification: Uncertain significance. Last evaluated: 2024-03-04. Review status: criteria provided, single submitter. Criteria: Invitae Variant Classification Sherloc (09022015). Collection method: clinical testing. Allele origin: germline.
Comment: This sequence change replaces glutamic acid, which is acidic and polar, with lysine, which is basic and polar, at codon 63 of the CNGB3 protein (p.Glu63Lys). This variant is not present in population databases (gnomAD no frequency). This variant has not been reported in the literature in individuals affected with CNGB3-related conditions. ClinVar contains an entry for this variant (Variation ID: 1924076). Advanced modeling of protein sequence and biophysical properties (such as structural, functional, and spatial information, amino acid conservation, physicochemical variation, residue mobility, and thermodynamic stability) performed at Invitae indicates that this missense variant is not expected to disrupt CNGB3 protein function with a negative predictive value of 95%. In summary, the available evidence is currently insufficient to determine the role of this variant in disease. Therefore, it has been classified as a Variant of Uncertain Significance.

NM_019098.5(CNGB3):c.187G>A (p.Glu63Lys)

Gene: CNGB3 (cyclic nucleotide gated channel subunit beta 3; minus strand). Cytogenetic location: 8q21.3.
Variant type: single nucleotide variant.
Coding change: c.187G>A on transcript NM_019098.5 (MANE Select); coding-DNA position 187, G replaced by A.
Protein change: p.Glu63Lys; replaces glutamic acid 63 with lysine.
Molecular consequence: missense variant.
Genome position (GRCh38, 1-based): chr8:86,739,679, C>T on the plus strand (G>A on the coding strand, the complement: CNGB3 is on the minus strand). VCF-style: chr8-86739679-C-T. GRCh37 (hg19) VCF-style: chr8-87751907-C-T.
Other names: short protein forms E63K.
Identifiers: ClinVar variation 1924076 (VCV001924076.4), dbSNP rs1825308926, ClinGen allele CA371456693.